The following is an entry in ClinVar:

NM_058004.4(PI4KA):c.6156_6159del (p.Thr2053fs)

Gene: PI4KA (phosphatidylinositol 4-kinase alpha; minus strand). Cytogenetic location: 22q11.21.
Variant type: Deletion.
Coding change: c.6156_6159del on transcript NM_058004.4 (MANE Select); coding-DNA positions 6156 to 6159, 4 bases deleted (GACA; older notation c.6156_6159delGACA).
Protein change: p.Thr2053fs; shifts the reading frame from threonine 2053.
Molecular consequence: frameshift variant.
Genome position (GRCh38, 1-based): chr22:20,709,922-20,709,925, TGTC deleted on the plus strand (GACA on the coding strand, the reverse complement: PI4KA is on the minus strand); deleting any 4 consecutive bases within chr22:20,709,922-20,709,927 gives the same sequence; the c. name uses the placement nearest the transcript's 3' end. VCF-style (leftmost placement, unchanged base first): chr22-20709921-TTGTC-T. GRCh37 (hg19) VCF-style: chr22-21064209-TTGTC-T.
Other names: c.6063_6066del, p.Thr2022fs (NM_001362862.2); c.6090_6093del, p.Thr2031fs (NM_001362863.2); c.6156_6159del (NM_058004.3); short protein forms T2022fs, T2031fs, T2053fs.
Identifiers: ClinVar variation 1325874 (VCV001325874.30), dbSNP rs139598272, ClinGen allele CA10114395.
Genomic context (GRCh38, chr22:20,709,921, plus strand): 5'-TGGACAACTGTCCCCCAGATGGCCTGCGTGTCCACCAAGGAACCTACTTCAAGAGCTTGA[TTGTC>T]TGGCCGCGAAAACAGGGCAGGCCCGTGTCCAACATGAGAGTGACCAGGGAGACGACCGCG-3'

ClinVar aggregate classification (germline): Pathogenic. Review status: criteria provided, multiple submitters, no conflicts (2 of 4 stars). 4 submissions from 3 submitters: Pathogenic (2). 2 of the submissions do not count toward it. Last evaluated 2023-04-27.

Conditions:
Spastic paraplegia 84, autosomal recessive (SPG84). Identifiers: Orphanet 631079, MedGen C5562025, MONDO:0030482, OMIM 619621.
Polymicrogyria, perisylvian, with cerebellar hypoplasia and arthrogryposis (NEDSPLB). Identifiers: MedGen C4225295, MONDO:0014679, OMIM 616531.

Submissions (4):

Neurometabolic Diseases Laboratory, Bellvitge Biomedical Research Institute (IDIBELL)
Classification: Pathogenic for Spastic paraplegia 84, autosomal recessive. Last evaluated: 2023-04-27. Review status: criteria provided, single submitter. Criteria: ACMG Guidelines, 2015. Collection method: research. Allele origin: germline. Affected: yes.

Labcorp Genetics (formerly Invitae), Labcorp
Classification: Pathogenic. Last evaluated: 2022-08-29. Review status: criteria provided, single submitter. Criteria: Invitae Variant Classification Sherloc (09022015). Collection method: clinical testing. Allele origin: germline.
Comment: This sequence change creates a premature translational stop signal (p.Thr2053Serfs*4) in the PI4KA gene. It is expected to result in an absent or disrupted protein product. Loss-of-function variants in PI4KA are known to be pathogenic (PMID: 34415322). The frequency data for this variant in the population databases is considered unreliable, as metrics indicate poor data quality at this position in the gnomAD database. This premature translational stop signal has been observed in individual(s) with PI4KA-related condition (PMID: 34415322). ClinVar contains an entry for this variant (Variation ID: 1325874). For these reasons, this variant has been classified as Pathogenic.

OMIM
Classification: Pathogenic for NEURODEVELOPMENTAL DISORDER WITH SPASTICITY, HYPOMYELINATING LEUKODYSTROPHY, AND BRAIN ABNORMALITIES. Last evaluated: 2022-09-28. Review status: no assertion criteria provided. Collection method: literature only. Allele origin: germline. Not counted in ClinVar's aggregate classification.

OMIM
Classification: Pathogenic for SPASTIC PARAPLEGIA 84, AUTOSOMAL RECESSIVE. Last evaluated: 2022-09-28. Review status: no assertion criteria provided. Collection method: literature only. Allele origin: germline. Not counted in ClinVar's aggregate classification.

Literature cited by the submitters: PubMed 34415322 (cited by 3 submitters).